The following is an entry in ClinVar:

NM_004977.3(KCNC3):c.1924C>G (p.Pro642Ala)

Gene: KCNC3 (potassium voltage-gated channel subfamily C member 3; minus strand). Cytogenetic location: 19q13.33.
Variant type: single nucleotide variant.
Coding change: c.1924C>G on transcript NM_004977.3 (MANE Select); coding-DNA position 1924, C replaced by G.
Protein change: p.Pro642Ala; replaces proline 642 with alanine.
Molecular consequence: missense variant.
Genome position (GRCh38, 1-based): chr19:50,323,029, G>C on the plus strand (C>G on the coding strand, the complement: KCNC3 is on the minus strand). VCF-style: chr19-50323029-G-C. GRCh37 (hg19) VCF-style: chr19-50826286-G-C.
Other names: c.1696C>G, p.Pro566Ala (NM_001372305.1); short protein forms P566A, P642A.
Identifiers: ClinVar variation 2888976 (VCV002888976.3), dbSNP rs969082050, ClinGen allele CA309572529.

ClinVar aggregate classification (germline): Uncertain significance (1 of 4 stars; one submission).

Allele frequency attached by ClinVar (database versions not stated): gnomAD 0.00008; TOPMed 0.00009.
gnomAD v4.1: 19 of 1,545,738 alleles (0.0012%); highest among the groups gnomAD compares: African/African-American, 0.021%; no homozygotes.

Submission:

Labcorp Genetics (formerly Invitae), Labcorp
Classification: Uncertain significance. Last evaluated: 2023-10-13. Review status: criteria provided, single submitter. Criteria: Invitae Variant Classification Sherloc (09022015). Collection method: clinical testing. Allele origin: germline.
Comment: This sequence change replaces proline, which is neutral and non-polar, with alanine, which is neutral and non-polar, at codon 642 of the KCNC3 protein (p.Pro642Ala). This variant is present in population databases (no rsID available, gnomAD 0.02%). This variant has not been reported in the literature in individuals affected with KCNC3-related conditions. An algorithm developed to predict the effect of missense changes on protein structure and function (PolyPhen-2) suggests that this variant is likely to be disruptive. In summary, the available evidence is currently insufficient to determine the role of this variant in disease. Therefore, it has been classified as a Variant of Uncertain Significance.